The following is an entry in ClinVar:

NM_024422.6(DSC2):c.1925C>T (p.Pro642Leu)

Gene: DSC2 (desmocollin 2; minus strand). Cytogenetic location: 18q12.1.
Variant type: single nucleotide variant.
Coding change: c.1925C>T on transcript NM_024422.6 (MANE Select); coding-DNA position 1925, C replaced by T.
Protein change: p.Pro642Leu; replaces proline 642 with leucine.
Molecular consequence: missense variant.
Genome position (GRCh38, 1-based): chr18:31,071,805, G>A on the plus strand (C>T on the coding strand, the complement: DSC2 is on the minus strand). VCF-style: chr18-31071805-G-A. GRCh37 (hg19) VCF-style: chr18-28651771-G-A.
Other names: c.1496C>T, p.Pro499Leu (NM_001406506.1, NM_001406507.1); c.1925C>T, p.Pro642Leu (NM_004949.5); short protein forms P499L, P642L.
Identifiers: ClinVar variation 1782757 (VCV001782757.2), dbSNP rs2510940689, ClinGen allele CA402113399.

ClinVar aggregate classification (germline): Uncertain significance (1 of 4 stars; one submission).

Conditions:
Cardiovascular phenotype. Identifiers: MedGen CN230736.

Submission:

Ambry Genetics
Classification: Uncertain significance for Cardiovascular phenotype. Last evaluated: 2021-06-14. Review status: criteria provided, single submitter. Criteria: Ambry Variant Classification Scheme 2023. Collection method: clinical testing. Allele origin: germline.
Comment: The p.P642L variant (also known as c.1925C>T), located in coding exon 13 of the DSC2 gene, results from a C to T substitution at nucleotide position 1925. The proline at codon 642 is replaced by leucine, an amino acid with similar properties. This amino acid position is poorly conserved in available vertebrate species. In addition, this alteration is predicted to be tolerated by in silico analysis. Since supporting evidence is limited at this time, the clinical significance of this alteration remains unclear.